The following is an entry in ClinVar:

NM_001197104.2(KMT2A):c.14G>C (p.Cys5Ser)

Gene: KMT2A (lysine methyltransferase 2A; plus strand). Cytogenetic location: 11q23.3.
Variant type: single nucleotide variant.
Coding change: c.14G>C on transcript NM_001197104.2 (MANE Select); coding-DNA position 14, G replaced by C.
Protein change: p.Cys5Ser; replaces cysteine 5 with serine.
Molecular consequence: missense variant.
Genome position (GRCh38, 1-based): chr11:118,436,526, G>C. VCF-style: chr11-118436526-G-C. GRCh37 (hg19) VCF-style: chr11-118307241-G-C.
Other names: c.14G>C, p.Cys5Ser (NM_005933.4); short protein forms C5S.
Identifiers: ClinVar variation 1312973 (VCV001312973.6), dbSNP rs1336274284, ClinGen allele CA382796670.

ClinVar aggregate classification (germline): Uncertain significance. Review status: criteria provided, multiple submitters, no conflicts (2 of 4 stars). 2 submissions from 2 submitters: Uncertain significance (2). Last evaluated 2022-05-06.

Allele frequency attached by ClinVar (database versions not stated): TOPMed below 0.00001; gnomAD 0.00001.
gnomAD v4.1: 8 of 1,262,236 alleles (0.00063%); highest among the groups gnomAD compares: Non-Finnish European, 0.0007%; no homozygotes.

Submissions (2):

Labcorp Genetics (formerly Invitae), Labcorp
Classification: Uncertain significance. Last evaluated: 2022-05-06. Review status: criteria provided, single submitter. Criteria: Invitae Variant Classification Sherloc (09022015). Collection method: clinical testing. Allele origin: germline.
Comment: This sequence change replaces cysteine, which is neutral and slightly polar, with serine, which is neutral and polar, at codon 5 of the KMT2A protein (p.Cys5Ser). This variant is not present in population databases (gnomAD no frequency). This variant has not been reported in the literature in individuals affected with KMT2A-related conditions. ClinVar contains an entry for this variant (Variation ID: 1312973). In summary, the available evidence is currently insufficient to determine the role of this variant in disease. Therefore, it has been classified as a Variant of Uncertain Significance. Algorithms developed to predict the effect of missense changes on protein structure and function are either unavailable or do not agree on the potential impact of this missense change (SIFT: "Tolerated"; PolyPhen-2: "Not Available"; Align-GVGD: "Class C0").

GeneDx
Classification: Uncertain significance. Last evaluated: 2020-07-07. Review status: criteria provided, single submitter. Criteria: GeneDx Variant Classification Process June 2021. Collection method: clinical testing. Allele origin: germline. Affected: yes.
Comment: Not observed in large population cohorts (Lek et al., 2016); In silico analysis supports that this missense variant does not alter protein structure/function; Has not been previously published as pathogenic or benign to our knowledge